The following is an entry in ClinVar:

ClinVar aggregate classification (germline): Conflicting classifications of pathogenicity. Review status: criteria provided, conflicting classifications (1 of 4 stars). 6 submissions from 6 submitters: Uncertain significance (2); Likely benign (3). 1 of the submissions does not count toward it. Last evaluated 2025-07-07.

Conditions:
GJB6-related disorder. Also called: GJB6-related disorders.
Autosomal recessive nonsyndromic hearing loss 1A (DFNB1A). Also called: Connexin 26 deafness; Deafness nonsyndromic, Connexin 26 linked; GJB6-Related DFNB 1 Nonsyndromic Hearing Loss and Deafness; Deafness, autosomal recessive 1A; GJB2-Related Autosomal Recessive Nonsyndromic Hearing Loss; Nonsyndromic Hearing Loss and Deafness, DFNB1. Identifiers: Orphanet 90636, MedGen C2673759, MONDO:0009076, OMIM 220290.
Autosomal dominant nonsyndromic hearing loss 3B. Identifiers: Orphanet 90635, MedGen C2675237, MONDO:0012975, OMIM 612643.
Autosomal recessive nonsyndromic hearing loss 1B. Also called: DEAFNESS, AUTOSOMAL RECESSIVE 1B. Identifiers: Orphanet 90636, MedGen C2675235, MONDO:0012977, OMIM 612645.
Hidrotic ectodermal dysplasia syndrome (GJB6). Also called: Ectodermal dysplasia 2, hidrotic; Autosomal dominant hidrotic ectodermal dysplasia; Clouston syndrome; Clouston's hidrotic ectodermal dysplasia; CLOUSTON HIDROTIC ECTODERMAL DYSPLASIA; ECTODERMAL DYSPLASIA 2, CLOUSTON TYPE. Identifiers: Orphanet 189, MedGen C0162361, MONDO:0007510, OMIM 129500.

Allele frequency attached by ClinVar (database versions not stated): gnomAD 0.00031 and 0.00029; gnomAD exomes 0.00043 and 0.00021; ExAC 0.00044; ESP Exome Variant Server 0.00015; TOPMed 0.00030.
gnomAD v4.1: 385 of 1,613,998 alleles (0.024%); highest among the groups gnomAD compares: Middle Eastern, 0.066%; 3 homozygotes.

Submissions (6):

Labcorp Genetics (formerly Invitae), Labcorp
Classification: Likely benign for Autosomal dominant nonsyndromic hearing loss 3B; Hidrotic ectodermal dysplasia syndrome; Autosomal recessive nonsyndromic hearing loss 1B; Autosomal recessive nonsyndromic hearing loss 1A. Last evaluated: 2025-07-07. Review status: criteria provided, single submitter. Criteria: Invitae Variant Classification Sherloc (09022015). Collection method: clinical testing. Allele origin: germline.

Blueprint Genetics
Classification: Likely benign. Last evaluated: 2024-06-13. Review status: criteria provided, single submitter. Criteria: ACMG Guidelines, 2015. Collection method: clinical testing. Allele origin: germline.

GeneDx
Classification: Likely benign. Last evaluated: 2020-04-17. Review status: criteria provided, single submitter. Criteria: GeneDx Variant Classification Process June 2021. Collection method: clinical testing. Allele origin: germline. Affected: yes.

Illumina Laboratory Services, Illumina
Classification: Uncertain significance for Hidrotic ectodermal dysplasia syndrome. Last evaluated: 2018-01-13. Review status: criteria provided, single submitter. Criteria: ICSL Variant Classification Criteria 13 December 2019. Collection method: clinical testing. Allele origin: germline.

Eurofins Ntd Llc (ga)
Classification: Uncertain significance. Last evaluated: 2014-11-18. Review status: criteria provided, single submitter. Criteria: EGL Classification Definitions 2015. Collection method: clinical testing. Allele origin: germline. Observed: 2 variant alleles, 2 heterozygotes.

PreventionGenetics, part of Exact Sciences
Classification: Benign for GJB6-related condition. Last evaluated: 2019-06-03. Review status: no assertion criteria provided. Collection method: clinical testing. Allele origin: germline. Not counted in ClinVar's aggregate classification.
Comment: This variant is classified as benign based on ACMG/AMP sequence variant interpretation guidelines (Richards et al. 2015 PMID: 25741868, with internal and published modifications).

NM_001110219.3(GJB6):c.177A>G (p.Gly59=)

Gene: GJB6 (gap junction protein beta 6; minus strand). Cytogenetic location: 13q12.11.
Variant type: single nucleotide variant.
Coding change: c.177A>G on transcript NM_001110219.3 (MANE Select); coding-DNA position 177, A replaced by G.
Protein change: p.Gly59=; no amino-acid change (glycine 59 retained).
Molecular consequence: synonymous variant.
Genome position (GRCh38, 1-based): chr13:20,223,304, T>C on the plus strand (A>G on the coding strand, the complement: GJB6 is on the minus strand). VCF-style: chr13-20223304-T-C. GRCh37 (hg19) VCF-style: chr13-20797443-T-C.
Other names: c.177A>G, p.Gly59= (NM_001110220.3, NM_001110221.3, NM_001370090.1 and 3 more transcripts); c.177A>G (NM_001110219.2).
Identifiers: ClinVar variation 196442 (VCV000196442.23), dbSNP rs371123633, ClinGen allele CA243400.